The following is an entry in ClinVar:

NM_030777.4(SLC2A10):c.1461C>T (p.Val487=)

Gene: SLC2A10 (solute carrier family 2 member 10; plus strand). Cytogenetic location: 20q13.12.
Variant type: single nucleotide variant.
Coding change: c.1461C>T on transcript NM_030777.4 (MANE Select); coding-DNA position 1461, C replaced by T.
Protein change: p.Val487=; no amino-acid change (valine 487 retained).
Molecular consequence: synonymous variant.
Genome position (GRCh38, 1-based): chr20:46,729,402, C>T. VCF-style: chr20-46729402-C-T. GRCh37 (hg19) VCF-style: chr20-45358041-C-T.
Identifiers: ClinVar variation 515559 (VCV000515559.1), dbSNP rs1555888585, ClinGen allele CA510771527.

ClinVar aggregate classification (germline): Likely benign (1 of 4 stars; one submission).

Allele frequency attached by ClinVar (database versions not stated): TOPMed below 0.00001.

Submission:

GeneDx
Classification: Likely benign. Last evaluated: 2018-02-23. Review status: criteria provided, single submitter. Criteria: GeneDx Variant Classification (06012015). Collection method: clinical testing. Allele origin: germline. Affected: yes.
Comment: This variant is considered likely benign or benign based on one or more of the following criteria: it is a conservative change, it occurs at a poorly conserved position in the protein, it is predicted to be benign by multiple in silico algorithms, and/or has population frequency not consistent with disease.